The following is an entry in ClinVar:

ClinVar aggregate classification (germline): Likely pathogenic. Review status: criteria provided, multiple submitters, no conflicts (2 of 4 stars). 2 submissions from 2 submitters: Likely pathogenic (2). Last evaluated 2024-02-13.

Conditions:
Hemochromatosis type 2A (HFE2A). Also called: HJV (HFE2)-Related Juvenile Hemochromatosis; Adult-Onset Hemochromatosis. Identifiers: Orphanet 79230, MedGen C1865614, MONDO:0011216, OMIM 602390.

Submissions (2):

Fulgent Genetics
Classification: Likely pathogenic for Hemochromatosis type 2A. Last evaluated: 2024-02-13. Review status: criteria provided, single submitter. Criteria: ACMG Guidelines, 2015. Collection method: clinical testing. Allele origin: germline.

Labcorp Genetics (formerly Invitae), Labcorp
Classification: Likely pathogenic. Last evaluated: 2022-01-27. Review status: criteria provided, single submitter. Criteria: Invitae Variant Classification Sherloc (09022015). Collection method: clinical testing. Allele origin: germline.
Comment: This variant is not present in population databases (gnomAD no frequency). In summary, the currently available evidence indicates that the variant is pathogenic, but additional data are needed to prove that conclusively. Therefore, this variant has been classified as Likely Pathogenic. This variant disrupts the p.Cys80 amino acid residue in HJV. Other variant(s) that disrupt this residue have been determined to be pathogenic (PMID: 15710580, 18827264, 114982867; Invitae). This suggests that this residue is clinically significant, and that variants that disrupt this residue are likely to be disease-causing. This variant has not been reported in the literature in individuals affected with HJV-related conditions. This sequence change affects the initiator methionine of the HJV mRNA. The next in-frame methionine is located at codon 114.

Literature cited by the submitters: PubMed 15710580 (cited by Labcorp Genetics (formerly Invitae), Labcorp); PubMed 18827264 (cited by Labcorp Genetics (formerly Invitae), Labcorp); PubMed 114982867 (cited by Labcorp Genetics (formerly Invitae), Labcorp).

NM_213653.4(HJV):c.3G>A (p.Met1Ile)

Gene: HJV (hemojuvelin BMP co-receptor; minus strand). Cytogenetic location: 1q21.1.
Variant type: single nucleotide variant.
Coding change: c.3G>A on transcript NM_213653.4 (MANE Select); coding-DNA position 3, G replaced by A.
Protein change: p.Met1Ile; changes the start codon (methionine 1).
Molecular consequence: missense variant, initiator codon variant. On other transcripts: 5 prime UTR variant (1), intron variant (3).
Genome position (GRCh38, 1-based): chr1:146,020,229, C>T on the plus strand (G>A on the coding strand, the complement: HJV is on the minus strand). VCF-style: chr1-146020229-C-T. GRCh37 (hg19) VCF-style: chr1-145414784-G-A.
Other names: c.-153G>A (NM_001316767.2); c.3G>A, p.Met1Ile (NM_001379352.1); c.-22+1358G>A (NM_213652.4); c.-58-495G>A (NM_202004.4); c.-242-495G>A (NM_145277.5); short protein forms M1I.
Identifiers: ClinVar variation 1504601 (VCV001504601.6), dbSNP rs2101986552, ClinGen allele CA342145306.